The following is an entry in ClinVar:

ClinVar aggregate classification (germline): Uncertain significance (1 of 4 stars; one submission).

Conditions:
POLD1-related polyposis and colorectal cancer syndrome (CRCS10). Also called: Colorectal cancer, susceptibility to, 10; Colorectal cancer 10; COLORECTAL CANCER, SUSCEPTIBILITY TO, ON CHROMOSOME 19q. Identifiers: Orphanet 220460, MedGen C2675481, MONDO:0012953, OMIM 612591.

Submission:

Labcorp Genetics (formerly Invitae), Labcorp
Classification: Uncertain significance for POLD1-related polyposis and colorectal cancer syndrome. Last evaluated: 2024-12-30. Review status: criteria provided, single submitter. Criteria: Invitae Variant Classification Sherloc (09022015). Collection method: clinical testing. Allele origin: germline.
Comment: This sequence change replaces glycine, which is neutral and non-polar, with serine, which is neutral and polar, at codon 540 of the POLD1 protein (p.Gly540Ser). This variant is not present in population databases (gnomAD no frequency). This variant has not been reported in the literature in individuals affected with POLD1-related conditions. ClinVar contains an entry for this variant (Variation ID: 666033). Invitae Evidence Modeling of protein sequence and biophysical properties (such as structural, functional, and spatial information, amino acid conservation, physicochemical variation, residue mobility, and thermodynamic stability) has been performed for this missense variant. However, the output from this modeling did not meet the statistical confidence thresholds required to predict the impact of this variant on POLD1 protein function. In summary, the available evidence is currently insufficient to determine the role of this variant in disease. Therefore, it has been classified as a Variant of Uncertain Significance.

NM_002691.4(POLD1):c.1618G>A (p.Gly540Ser)

Gene: POLD1 (DNA polymerase delta 1, catalytic subunit; plus strand). Cytogenetic location: 19q13.33.
Variant type: single nucleotide variant.
Coding change: c.1618G>A on transcript NM_002691.4 (MANE Select); coding-DNA position 1618, G replaced by A.
Protein change: p.Gly540Ser; replaces glycine 540 with serine.
Molecular consequence: missense variant. On other transcripts: non-coding transcript variant (1).
Genome position (GRCh38, 1-based): chr19:50,407,106, G>A. VCF-style: chr19-50407106-G-A. GRCh37 (hg19) VCF-style: chr19-50910363-G-A.
Other names: c.1618G>A, p.Gly540Ser (NM_001256849.1, NM_001308632.1); short protein forms G540S.
Identifiers: ClinVar variation 666033 (VCV000666033.8), dbSNP rs1601219662, ClinGen allele CA406980983.
Genomic context (GRCh38, chr19:50,407,106, plus strand): 5'-CTGCGGCTGCTGGAGCGGCTCATGGTGCTGGTGAACGCCGTGGAGATGGCGAGGGTCACT[G>A]GCGTGCCCCTCAGCTACCTGCTCAGTCGTGGCCAGCAGGTCAAGGTCGTATCCCAGCTGT-3'
Protein context (NP_002682.2, residues 530-550): VNAVEMARVT[Gly540Ser]VPLSYLLSRG